The following is an entry in ClinVar:

ClinVar aggregate classification (germline): Uncertain significance (1 of 4 stars; one submission).

Conditions:
EAST syndrome (SESAMES). Also called: SEIZURES, SENSORINEURAL DEAFNESS, ATAXIA, IMPAIRED INTELLECTUAL DEVELOPMENT, AND ELECTROLYTE IMBALANCE. Identifiers: Orphanet 199343, MedGen C2748572, MONDO:0013005, OMIM 612780.

Submission:

Labcorp Genetics (formerly Invitae), Labcorp
Classification: Uncertain significance for EAST syndrome. Last evaluated: 2025-02-24. Review status: criteria provided, single submitter. Criteria: Invitae Variant Classification Sherloc (09022015). Collection method: clinical testing. Allele origin: germline.
Comment: This sequence change replaces threonine, which is neutral and polar, with serine, which is neutral and polar, at codon 13 of the KCNJ10 protein (p.Thr13Ser). This variant is not present in population databases (gnomAD no frequency). This variant has not been reported in the literature in individuals affected with KCNJ10-related conditions. ClinVar contains an entry for this variant (Variation ID: 2844275). Invitae Evidence Modeling of protein sequence and biophysical properties (such as structural, functional, and spatial information, amino acid conservation, physicochemical variation, residue mobility, and thermodynamic stability) indicates that this missense variant is not expected to disrupt KCNJ10 protein function with a negative predictive value of 95%. In summary, the available evidence is currently insufficient to determine the role of this variant in disease. Therefore, it has been classified as a Variant of Uncertain Significance.

NM_002241.5(KCNJ10):c.38C>G (p.Thr13Ser)

Gene: KCNJ10 (potassium inwardly rectifying channel subfamily J member 10; minus strand). Cytogenetic location: 1q23.2.
Variant type: single nucleotide variant.
Coding change: c.38C>G on transcript NM_002241.5 (MANE Select); coding-DNA position 38, C replaced by G.
Protein change: p.Thr13Ser; replaces threonine 13 with serine.
Molecular consequence: missense variant.
Genome position (GRCh38, 1-based): chr1:160,042,495, G>C on the plus strand (C>G on the coding strand, the complement: KCNJ10 is on the minus strand). VCF-style: chr1-160042495-G-C. GRCh37 (hg19) VCF-style: chr1-160012285-G-C.
Other names: short protein forms T13S.
Identifiers: ClinVar variation 2844275 (VCV002844275.3), dbSNP rs1648635350, ClinGen allele CA343230960.
Genomic context (GRCh38, chr1:160,042,495, plus strand): 5'-TTTGTCAGGACTCTCCGCCGTCGTATCCCTGGGCCCATTAGGGGCCGGCTTTCTGTCTGA[G>C]TGGTCTGACTGTAATACACCTTGGCAACTGACGTCATCTGGAGGGAGCAAGACAGCATAA-3'
Protein context (NP_002232.2, residues 3-23): SVAKVYYSQT[Thr13Ser]QTESRPLMGP